The following is an entry in ClinVar:

ClinVar aggregate classification (germline): Uncertain significance (1 of 4 stars; one submission).

Conditions:
Short-rib thoracic dysplasia 6 with or without polydactyly (SRTD6). Also called: POLYDACTYLY WITH NEONATAL CHONDRODYSTROPHY, TYPE II; SHORT RIB-POLYDACTYLY SYNDROME, TYPE IIA; SHORT-RIB THORACIC DYSPLASIA 6 WITH POLYDACTYLY; SHORT-RIB THORACIC DYSPLASIA 6 WITHOUT POLYDACTYLY; Majewski Syndrome. Identifiers: MedGen C0024507, MONDO:0009894, OMIM 263520.

gnomAD v4.1: 3 of 1,598,938 alleles (0.00019%); highest among the groups gnomAD compares: African/African-American, 0.004%; no homozygotes.

Submission:

Labcorp Genetics (formerly Invitae), Labcorp
Classification: Uncertain significance for Short-rib thoracic dysplasia 6 with or without polydactyly. Last evaluated: 2026-01-14. Review status: criteria provided, single submitter. Criteria: Invitae Variant Classification Sherloc (09022015). Collection method: clinical testing. Allele origin: germline.
Comment: This sequence change replaces valine, which is neutral and non-polar, with methionine, which is neutral and non-polar, at codon 1098 of the NEK1 protein (p.Val1098Met). This variant is present in population databases (no rsID available, gnomAD 0.008%). This variant has not been reported in the literature in individuals affected with NEK1-related conditions. An algorithm developed to predict the effect of missense changes on protein structure and function (PolyPhen-2) suggests that this variant is likely to be tolerated. In summary, the available evidence is currently insufficient to determine the role of this variant in disease. Therefore, it has been classified as a Variant of Uncertain Significance.

NM_001199397.3(NEK1):c.3376G>A (p.Val1126Met)

Gene: NEK1 (NIMA related kinase 1; minus strand). Cytogenetic location: 4q33.
Variant type: single nucleotide variant.
Coding change: c.3376G>A on transcript NM_001199397.3 (MANE Select); coding-DNA position 3376, G replaced by A.
Protein change: p.Val1126Met; replaces valine 1126 with methionine.
Molecular consequence: missense variant. On other transcripts: non-coding transcript variant (1).
Genome position (GRCh38, 1-based): chr4:169,401,859, C>T on the plus strand (G>A on the coding strand, the complement: NEK1 is on the minus strand). VCF-style: chr4-169401859-C-T. GRCh37 (hg19) VCF-style: chr4-170323010-C-T.
Other names: c.3244G>A, p.Val1082Met (NM_001199398.3); c.3085G>A, p.Val1029Met (NM_001199399.3); c.3160G>A, p.Val1054Met (NM_001199400.3); c.3376G>A, p.Val1126Met (NM_001374418.1); c.3292G>A, p.Val1098Met (NM_001374419.1, NM_012224.4); c.3241G>A, p.Val1081Met (NM_001374420.1); c.2893G>A, p.Val965Met (NM_001374421.1); c.3199G>A, p.Val1067Met (NM_001440620.1); and 5 more; short protein forms V1029M, V1054M, V965M, V1067M, V1098M, V1126M, V847M, V891M.
Identifiers: ClinVar variation 4748356 (VCV004748356.1).